The following is an entry in ClinVar:

NM_014780.5(CUL7):c.1846A>G (p.Ser616Gly)

Gene: CUL7 (cullin 7; minus strand). Cytogenetic location: 6p21.1.
Variant type: single nucleotide variant.
Coding change: c.1846A>G on transcript NM_014780.5 (MANE Select); coding-DNA position 1846, A replaced by G.
Protein change: p.Ser616Gly; replaces serine 616 with glycine.
Molecular consequence: missense variant.
Genome position (GRCh38, 1-based): chr6:43,048,549, T>C on the plus strand (A>G on the coding strand, the complement: CUL7 is on the minus strand). VCF-style: chr6-43048549-T-C. GRCh37 (hg19) VCF-style: chr6-43016287-T-C.
Other names: c.1942A>G, p.Ser648Gly (NM_001168370.2, NM_001374872.1); c.1846A>G, p.Ser616Gly (NM_001374873.1, NM_001374874.1); short protein forms S616G, S648G.
Identifiers: ClinVar variation 356844 (VCV000356844.17), dbSNP rs7774330, ClinGen allele CA3814052.

ClinVar aggregate classification (germline): Benign/Likely benign. Review status: criteria provided, multiple submitters, no conflicts (2 of 4 stars). 5 submissions from 5 submitters: Benign (2); Likely benign (3). Last evaluated 2026-05-13.

Conditions:
3M syndrome 1. Also called: 3-M Syndrome, CUL7-Related. Identifiers: Orphanet 2616, MedGen C2678312, MONDO:0010117, OMIM 273750.

Allele frequency attached by ClinVar (database versions not stated): ExAC 0.00354; ESP Exome Variant Server 0.01170; 1000 Genomes Project 30x 0.00968; 1000 Genomes Project 0.00978; gnomAD 0.01167 and 0.01270; gnomAD exomes 0.00288 and 0.00103; TOPMed 0.01317.
gnomAD v4.1: 3,387 of 1,613,938 alleles (0.21%); highest among the groups gnomAD compares: African/African-American, 3.9%; 69 homozygotes.

Submissions (5):

Women's Health and Genetics/Laboratory Corporation of America, LabCorp
Classification: Likely benign. Last evaluated: 2026-05-13. Review status: criteria provided, single submitter. Criteria: LabCorp Variant Classification Summary - May 2015. Collection method: clinical testing. Allele origin: germline.

Labcorp Genetics (formerly Invitae), Labcorp
Classification: Benign. Last evaluated: 2026-01-28. Review status: criteria provided, single submitter. Criteria: Invitae Variant Classification Sherloc (09022015). Collection method: clinical testing. Allele origin: germline.

Illumina Laboratory Services, Illumina
Classification: Benign for 3M syndrome 1. Last evaluated: 2018-01-13. Review status: criteria provided, single submitter. Criteria: ICSL Variant Classification Criteria 13 December 2019. Collection method: clinical testing. Allele origin: germline.
Comment: This variant was observed in the ICSL laboratory as part of a predisposition screen in an ostensibly healthy population. It had not been previously curated by ICSL or reported in the Human Gene Mutation Database (HGMD: prior to June 1st, 2018), and was therefore a candidate for classification through an automated scoring system. Utilizing variant allele frequency, disease prevalence and penetrance estimates, and inheritance mode, an automated score was calculated to assess if this variant is too frequent to cause the disease. Based on the score and internal cut-off values, a variant classified as benign is not then subjected to further curation. The score for this variant resulted in a classification of benign for this disease.

Center for Pediatric Genomic Medicine, Children's Mercy Hospital and Clinics
Classification: Likely benign. Last evaluated: 2017-02-23. Review status: criteria provided, single submitter. Criteria: ACMG Guidelines, 2015. Collection method: clinical testing. Allele origin: germline.

Breakthrough Genomics
Classification: Likely benign. Review status: criteria provided, single submitter. Criteria: ACMG Guidelines, 2015. Collection method: not provided. Allele origin: germline. Inheritance: Autosomal recessive inheritance. Affected: yes.